The following is an entry in ClinVar:

NM_002439.5(MSH3):c.2085-3T>C

Gene: MSH3 (mutS homolog 3; plus strand). Cytogenetic location: 5q14.1.
Variant type: single nucleotide variant.
Coding change: c.2085-3T>C on transcript NM_002439.5 (MANE Select); 3 bases into the intron before coding-DNA position 2085, T replaced by C.
Molecular consequence: intron variant.
Genome position (GRCh38, 1-based): chr5:80,768,832, T>C. VCF-style: chr5-80768832-T-C. GRCh37 (hg19) VCF-style: chr5-80064651-T-C.
Identifiers: ClinVar variation 1646813 (VCV001646813.10), dbSNP rs1744167818, ClinGen allele CA1558521640.

ClinVar aggregate classification (germline): Conflicting classifications of pathogenicity. Review status: criteria provided, conflicting classifications (1 of 4 stars). 2 submissions from 2 submitters: Uncertain significance (1); Likely benign (1). Last evaluated 2022-06-16.

Conditions:
Hereditary cancer-predisposing syndrome. Also called: Tumor predisposition; Neoplastic Syndromes, Hereditary; Hereditary Cancer Syndrome; Hereditary neoplastic syndrome. Identifiers: Orphanet 140162, MedGen C0027672, MeSH D009386, MONDO:0015356.

Allele frequency attached by ClinVar (database versions not stated): gnomAD exomes 0.00001.
gnomAD v4.1: 8 of 1,601,028 alleles (0.0005%); highest among the groups gnomAD compares: Non-Finnish European, 0.00068%; no homozygotes.

Submissions (2):

Ambry Genetics
Classification: Uncertain significance for Hereditary cancer-predisposing syndrome. Last evaluated: 2022-06-16. Review status: criteria provided, single submitter. Criteria: Ambry Variant Classification Scheme 2023. Collection method: clinical testing. Allele origin: germline.
Comment: The c.2085-3T>C intronic variant results from a T to C substitution 3 nucleotides upstream from coding exon 15 in the MSH3 gene. This nucleotide position is well conserved in available vertebrate species. In silico splice site analysis predicts that this alteration will not have any significant effect on splicing. Since supporting evidence is limited at this time, the clinical significance of this alteration remains unclear.

Labcorp Genetics (formerly Invitae), Labcorp
Classification: Likely benign. Last evaluated: 2022-06-13. Review status: criteria provided, single submitter. Criteria: Invitae Variant Classification Sherloc (09022015). Collection method: clinical testing. Allele origin: germline.